The following is an entry in ClinVar:

ClinVar aggregate classification (germline): Uncertain significance (1 of 4 stars; one submission).

Conditions:
Inborn genetic diseases. Identifiers: MedGen C0950123, MeSH D030342.

Submission:

Ambry Genetics
Classification: Uncertain significance for Inborn genetic diseases. Last evaluated: 2025-04-21. Review status: criteria provided, single submitter. Criteria: Ambry Variant Classification Scheme 2023. Collection method: clinical testing. Allele origin: germline.
Comment: The p.N1203H variant (also known as c.3607A>C), located in coding exon 13 of the ASXL1 gene, results from an A to C substitution at nucleotide position 3607. The asparagine at codon 1203 is replaced by histidine, an amino acid with similar properties. This amino acid position is conserved. In addition, this alteration is predicted to be tolerated by in silico analysis. Based on the available evidence, the clinical significance of this variant remains unclear.

NM_015338.6(ASXL1):c.3607A>C (p.Asn1203His)

Gene: ASXL1 (ASXL transcriptional regulator 1; plus strand). Cytogenetic location: 20q11.21.
Variant type: single nucleotide variant.
Coding change: c.3607A>C on transcript NM_015338.6 (MANE Select); coding-DNA position 3607, A replaced by C.
Protein change: p.Asn1203His; replaces asparagine 1203 with histidine.
Molecular consequence: missense variant.
Genome position (GRCh38, 1-based): chr20:32,436,319, A>C. VCF-style: chr20-32436319-A-C. GRCh37 (hg19) VCF-style: chr20-31024122-A-C.
Other names: c.3424A>C, p.Asn1142His (NM_001363734.1); short protein forms N1203H, N1142H.
Identifiers: ClinVar variation 3956407 (VCV003956407.1).